The following is an entry in ClinVar:

NM_000202.8(IDS):c.366C>G (p.Tyr122Ter)

Gene: IDS (iduronate 2-sulfatase; minus strand). Cytogenetic location: Xq28.
Variant type: single nucleotide variant.
Coding change: c.366C>G on transcript NM_000202.8 (MANE Select); coding-DNA position 366, C replaced by G.
Protein change: p.Tyr122Ter; replaces tyrosine 122 with a stop codon.
Molecular consequence: nonsense. On other transcripts: non-coding transcript variant (1).
Genome position (GRCh38, 1-based): chrX:149,503,364, G>C on the plus strand (C>G on the coding strand, the complement: IDS is on the minus strand). VCF-style: chrX-149503364-G-C. GRCh37 (hg19) VCF-style: chrX-148584894-G-C.
Other names: c.96C>G, p.Tyr32Ter (NM_001166550.4); c.366C>G, p.Tyr122Ter (NM_006123.5); short protein forms Y122*, Y32*.
Identifiers: ClinVar variation 4532163 (VCV004532163.2).

ClinVar aggregate classification (germline): Pathogenic/Likely pathogenic. Review status: criteria provided, multiple submitters, no conflicts (2 of 4 stars). 2 submissions from 2 submitters: Pathogenic (1); Likely pathogenic (1). Last evaluated 2025-06-17.

Conditions:
Mucopolysaccharidosis, MPS-II (MPS2). Also called: Attenuated MPS (subtype; formerly known as mild MPS II); Severe MPS II; I2S deficiency; MPS 2; Hunter Syndrome; IDURONATE 2-SULFATASE DEFICIENCY. Identifiers: Orphanet 580, Orphanet 79388, MedGen C0026705, MONDO:0010674, OMIM 309900.
IDS-related disorder. Also called: IDS-related condition.

Submissions (2):

Victorian Clinical Genetics Services, Murdoch Childrens Research Institute
Classification: Pathogenic for Mucopolysaccharidosis, MPS-II. Last evaluated: 2025-06-17. Review status: criteria provided, single submitter. Criteria: ACMG Guidelines, 2015. Collection method: clinical testing. Allele origin: germline. Affected: yes.
Comment: This variant is classified as Pathogenic. Evidence in support of pathogenic classification: Variant is predicted to cause nonsense-mediated decay (NMD) and loss of protein (premature termination codon is located at least 54 nucleotides upstream of the final exon-exon junction); Variant is absent from gnomAD (v2, v3 and v4); Other NMD-predicted variant(s) comparable to the one identified in this case have very strong previous evidence for pathogenicity (DECIPHER); Additional information: This variant is hemizygous; This gene is associated with X-linked disease. Heterozygous females can be asymptomatic or affected similarly to hemizygous males, usually due to skewed X inactivation (PMID: 23232253); Loss of function is a known mechanism of disease in this gene and is associated with mucopolysaccharidosis II (MIM#309900).

Blueprint Genetics
Classification: Likely pathogenic for IDS-related disorders. Last evaluated: 2024-05-28. Review status: criteria provided, single submitter. Criteria: ACMG Guidelines, 2015. Collection method: clinical testing. Allele origin: germline. Affected: yes. Observed: 1 variant allele.

Literature cited by the submitters: PubMed 23232253 (cited by Victorian Clinical Genetics Services, Murdoch Childrens Research Institute).